The following is an entry in ClinVar:

ClinVar aggregate classification (germline): Pathogenic (1 of 4 stars; one submission).

Conditions:
Baller-Gerold syndrome (BGS). Also called: CRANIOSYNOSTOSIS WITH RADIAL DEFECTS. Identifiers: Orphanet 1225, MedGen C0265308, MONDO:0009039, OMIM 218600.

Allele frequency attached by ClinVar (database versions not stated): gnomAD exomes below 0.00001 and 0.00001.

Submission:

Labcorp Genetics (formerly Invitae), Labcorp
Classification: Pathogenic for Baller-Gerold syndrome. Last evaluated: 2020-12-24. Review status: criteria provided, single submitter. Criteria: Invitae Variant Classification Sherloc (09022015). Collection method: clinical testing. Allele origin: germline.
Comment: For these reasons, this variant has been classified as Pathogenic. This variant has not been reported in the literature in individuals with RECQL4-related conditions. This variant is not present in population databases (ExAC no frequency). This sequence change creates a premature translational stop signal (p.Val985Leufs*57) in the RECQL4 gene. It is expected to result in an absent or disrupted protein product. Loss-of-function variants in RECQL4 are known to be pathogenic (PMID: 12734318, 12952869).

Literature cited by the submitters: PubMed 12734318; PubMed 12952869.

NM_004260.4(RECQL4):c.2952_2958del (p.Val985fs)

Gene: RECQL4 (RecQ like helicase 4; minus strand). Cytogenetic location: 8q24.3.
Variant type: Deletion.
Coding change: c.2952_2958del on transcript NM_004260.4 (MANE Select); coding-DNA positions 2952 to 2958, 7 bases deleted (CGTGGAG; older notation c.2952_2958delCGTGGAG).
Protein change: p.Val985fs; shifts the reading frame from valine 985.
Molecular consequence: frameshift variant.
Genome position (GRCh38, 1-based): chr8:144,512,489-144,512,495, CTCCACG deleted on the plus strand (CGTGGAG on the coding strand, the reverse complement: RECQL4 is on the minus strand). VCF-style (leftmost placement, unchanged base first): chr8-144512488-ACTCCACG-A. GRCh37 (hg19) VCF-style: chr8-145737871-ACTCCACG-A.
Other names: short protein forms V985fs.
Identifiers: ClinVar variation 1359379 (VCV001359379.6), dbSNP rs1259761865, ClinGen allele CA586165228.
Genomic context (GRCh38, chr8:144,512,488, plus strand): 5'-GAGCCCGCCGCACAGAGGCCAGCTCCCAGCCCATGGAGTCCACCAGCTTGACCATGTCAA[ACTCCACG>A]GAGCTGCTGCCTTGCCCTGGGTCCTCAGGCAGCTGCTGGGCCAAGCACACAGCCAAAGGG-3'